The following is an entry in ClinVar:

NM_003803.4(MYOM1):c.4069+4A>C

Gene: MYOM1 (myomesin 1; minus strand). Cytogenetic location: 18p11.31.
Variant type: single nucleotide variant.
Coding change: c.4069+4A>C on transcript NM_003803.4 (MANE Select); 4 bases into the intron after coding-DNA position 4069, A replaced by C.
Molecular consequence: intron variant.
Genome position (GRCh38, 1-based): chr18:3,089,533, T>G on the plus strand (A>C on the coding strand, the complement: MYOM1 is on the minus strand). VCF-style: chr18-3089533-T-G. GRCh37 (hg19) VCF-style: chr18-3089531-T-G.
Other names: c.3781+4A>C (NM_019856.2).
Identifiers: ClinVar variation 239575 (VCV000239575.19), dbSNP rs80328493, ClinGen allele CA8874077.

ClinVar aggregate classification (germline): Benign. Review status: criteria provided, multiple submitters, no conflicts (2 of 4 stars). 4 submissions from 4 submitters: Benign (3). 1 of the submissions does not count toward it. Last evaluated 2026-02-02.

Conditions:
MYOM1-related disorder.
Hypertrophic cardiomyopathy. Also called: HYPERTROPHIC MYOCARDIOPATHY. Identifiers: Orphanet 217569, MedGen C0007194, MeSH D002312, MONDO:0005045, HP:0001639.

Allele frequency attached by ClinVar (database versions not stated): TOPMed 0.00869; ESP Exome Variant Server 0.00855; gnomAD 0.00858 and 0.00793; gnomAD exomes 0.00076 and 0.00192; ExAC 0.00247; 1000 Genomes Project 30x 0.00703; 1000 Genomes Project 0.00719.
gnomAD v4.1: 2,346 of 1,605,576 alleles (0.15%); highest among the groups gnomAD compares: African/African-American, 2.8%; 29 homozygotes.

Submissions (4):

Labcorp Genetics (formerly Invitae), Labcorp
Classification: Benign for Hypertrophic cardiomyopathy. Last evaluated: 2026-02-02. Review status: criteria provided, single submitter. Criteria: Invitae Variant Classification Sherloc (09022015). Collection method: clinical testing. Allele origin: germline.

Laboratory for Molecular Medicine, Mass General Brigham Personalized Medicine
Classification: Benign. Last evaluated: 2014-11-24. Review status: criteria provided, single submitter. Criteria: LMM Criteria. Collection method: clinical testing. Allele origin: germline. Observed: 2 variant alleles.
Comment: 4069+4A>C in intron 28 of MYOM1: This variant is not expected to have clinical s ignificance because it has been identified in 2.8% (99/3580) of African American chromosomes from a broad population by the NHLBI Exome Sequencing Project (dbSNP rs80328493).

Breakthrough Genomics
Classification: Benign. Review status: criteria provided, single submitter. Criteria: ACMG Guidelines, 2015. Collection method: not provided. Allele origin: germline. Inheritance: Unknown mechanism. Affected: yes.

PreventionGenetics, part of Exact Sciences
Classification: Benign for MYOM1-related condition. Last evaluated: 2019-02-25. Review status: no assertion criteria provided. Collection method: clinical testing. Allele origin: germline. Not counted in ClinVar's aggregate classification.
Comment: This variant is classified as benign based on ACMG/AMP sequence variant interpretation guidelines (Richards et al. 2015 PMID: 25741868, with internal and published modifications).